The following is an entry in ClinVar:

ClinVar aggregate classification (germline): Pathogenic (1 of 4 stars; one submission).

Submission:

GeneDx
Classification: Pathogenic. Last evaluated: 2017-10-03. Review status: criteria provided, single submitter. Criteria: GeneDx Variant Classification (06012015). Collection method: clinical testing. Allele origin: germline. Affected: yes.
Comment: The Q2222X variant in the KMT2D gene has not been reported previously as a pathogenic variantnor as a benign variant, to our knowledge. This variant is predicted to cause loss of normal proteinfunction either through protein truncation or nonsense-mediated mRNA decay. The Q2222X variantis not observed in large population cohorts (Lek et al., 2016). We interpret Q2222X as a pathogenicvariant

NM_003482.4(KMT2D):c.6664C>T (p.Gln2222Ter)

Gene: KMT2D (lysine methyltransferase 2D; minus strand). Cytogenetic location: 12q13.12.
Variant type: single nucleotide variant.
Coding change: c.6664C>T on transcript NM_003482.4 (MANE Select); coding-DNA position 6664, C replaced by T.
Protein change: p.Gln2222Ter; replaces glutamine 2222 with a stop codon.
Molecular consequence: nonsense.
Genome position (GRCh38, 1-based): chr12:49,041,106, G>A on the plus strand (C>T on the coding strand, the complement: KMT2D is on the minus strand). VCF-style: chr12-49041106-G-A. GRCh37 (hg19) VCF-style: chr12-49434889-G-A.
Other names: short protein forms Q2222*.
Identifiers: ClinVar variation 489063 (VCV000489063.2), dbSNP rs1555192676, ClinGen allele CA384750127.
Genomic context (GRCh38, chr12:49,041,106, plus strand): 5'-CAGGTGTGGAGGGCTGGTGTCTGGGGGTGCCAGGTGGGGTAGTGTGGAATTCCCCTGGCT[G>A]GCCAGCCCCAGGACGAGATGAGGCGCCCAGCATCGGGGGCTGCGCAGGGGCCCCCGTAGG-3'